The following is an entry in ClinVar:

ClinVar aggregate classification (germline): Uncertain significance (1 of 4 stars; one submission).

Submission:

GeneDx
Classification: Uncertain significance. Last evaluated: 2023-06-16. Review status: criteria provided, single submitter. Criteria: GeneDx Variant Classification Process June 2021. Collection method: clinical testing. Allele origin: germline. Affected: yes.
Comment: Not observed at significant frequency in large population cohorts (gnomAD); In silico analysis is inconclusive as to whether the variant alters gene splicing. In the absence of RNA/functional studies, the actual effect of this sequence change is unknown.; Has not been previously published as pathogenic or benign to our knowledge

NM_030662.4(MAP2K2):c.528+5G>T

Gene: MAP2K2 (mitogen-activated protein kinase kinase 2; minus strand). Cytogenetic location: 19p13.3.
Variant type: single nucleotide variant.
Coding change: c.528+5G>T on transcript NM_030662.4 (MANE Select); 5 bases into the intron after coding-DNA position 528, G replaced by T.
Molecular consequence: intron variant.
Genome position (GRCh38, 1-based): chr19:4,102,371, C>A on the plus strand (G>T on the coding strand, the complement: MAP2K2 is on the minus strand). VCF-style: chr19-4102371-C-A. GRCh37 (hg19) VCF-style: chr19-4102369-C-A.
Identifiers: ClinVar variation 3359576 (VCV003359576.1).